The following is an entry in ClinVar:

ClinVar aggregate classification (germline): Likely benign (0 of 4 stars; one submission).

Conditions:
MUC16-related disorder. Also called: MUC16-related condition.

Allele frequency attached by ClinVar (database versions not stated): gnomAD exomes 0.00001; ExAC 0.00002; TOPMed 0.00002; gnomAD 0.00004; 1000 Genomes Project 30x 0.00031; 1000 Genomes Project 0.00040.

Submission:

PreventionGenetics, part of Exact Sciences
Classification: Likely benign for MUC16-related condition. Last evaluated: 2019-08-07. Review status: no assertion criteria provided. Collection method: clinical testing. Allele origin: germline.
Comment: This variant is classified as likely benign based on ACMG/AMP sequence variant interpretation guidelines (Richards et al. 2015 PMID: 25741868, with internal and published modifications).

NM_001401501.2(MUC16):c.37695T>C (p.Asn12565=)

Gene: MUC16 (mucin 16, cell surface associated; minus strand). Cytogenetic location: 19p13.2.
Variant type: single nucleotide variant.
Coding change: c.37695T>C on transcript NM_001401501.2 (MANE Select); coding-DNA position 37695, T replaced by C.
Protein change: p.Asn12565=; no amino-acid change (asparagine 12565 retained).
Molecular consequence: synonymous variant.
Genome position (GRCh38, 1-based): chr19:8,909,310, A>G on the plus strand (T>C on the coding strand, the complement: MUC16 is on the minus strand). VCF-style: chr19-8909310-A-G. GRCh37 (hg19) VCF-style: chr19-9019986-A-G.
Other names: c.38121T>C, p.Asn12707= (NM_001414686.1); c.37575T>C, p.Asn12525= (NM_001414687.1); c.37509T>C, p.Asn12503= (NM_024690.2).
Identifiers: ClinVar variation 3055906 (VCV003055906.2), dbSNP rs542765912, ClinGen allele CA9165147.